The following is an entry in ClinVar:

ClinVar aggregate classification (germline): Likely benign (1 of 4 stars; one submission).

Conditions:
SLC9A1-related disorder. Also called: SLC9A1-related condition.

gnomAD v4.1: 3 of 1,614,114 alleles (0.00019%); highest among the groups gnomAD compares: Non-Finnish European, 0.00025%; no homozygotes.

Submission:

PreventionGenetics, part of Exact Sciences
Classification: Likely benign for SLC9A1-related condition. Last evaluated: 2024-10-18. Review status: criteria provided, single submitter. Criteria: ACMG Guidelines, 2015. Collection method: clinical testing. Allele origin: germline.
Comment: This variant is classified as likely benign based on ACMG/AMP sequence variant interpretation guidelines (Richards et al. 2015 PMID: 25741868, with internal and published modifications).

NM_003047.5(SLC9A1):c.696C>T (p.Ser232=)

Gene: SLC9A1 (solute carrier family 9 member A1; minus strand). Cytogenetic location: 1p36.11.
Variant type: single nucleotide variant.
Coding change: c.696C>T on transcript NM_003047.5 (MANE Select); coding-DNA position 696, C replaced by T.
Protein change: p.Ser232=; no amino-acid change (serine 232 retained).
Molecular consequence: synonymous variant.
Genome position (GRCh38, 1-based): chr1:27,113,943, G>A on the plus strand (C>T on the coding strand, the complement: SLC9A1 is on the minus strand). VCF-style: chr1-27113943-G-A. GRCh37 (hg19) VCF-style: chr1-27440434-G-A.
Identifiers: ClinVar variation 4987609 (VCV004987609.1).